The following is an entry in ClinVar:

NM_173660.5(DOK7):c.686A>G (p.Glu229Gly)

Gene: DOK7 (docking protein 7; plus strand). Cytogenetic location: 4p16.3.
Variant type: single nucleotide variant.
Coding change: c.686A>G on transcript NM_173660.5 (MANE Select); coding-DNA position 686, A replaced by G.
Protein change: p.Glu229Gly; replaces glutamic acid 229 with glycine.
Molecular consequence: missense variant. On other transcripts: synonymous variant (1), 5 prime UTR variant (1).
Genome position (GRCh38, 1-based): chr4:3,489,710, A>G. VCF-style: chr4-3489710-A-G. GRCh37 (hg19) VCF-style: chr4-3491437-A-G.
Other names: p.Glu229Gly; c.675A>G, p.Gly225= (NM_001164673.2); c.-245A>G (NM_001256896.2); c.686A>G, p.Glu229Gly (NM_001301071.2); c.254A>G, p.Glu85Gly (NM_001363811.2); c.686A>G (NM_173660.4); short protein forms E85G, E229G.
Identifiers: ClinVar variation 2037061 (VCV002037061.3), dbSNP rs151334056, ClinGen allele CA2829149.

ClinVar aggregate classification (germline): Uncertain significance. Review status: criteria provided, multiple submitters, no conflicts (2 of 4 stars). 3 submissions from 3 submitters: Uncertain significance (3). Last evaluated 2025-10-03.

Conditions:
Inborn genetic diseases. Identifiers: MedGen C0950123, MeSH D030342.
Fetal akinesia deformation sequence 1 (FADS1). Also called: Fetal akinesia sequence; Pena-Shokeir syndrome type I. Identifiers: Orphanet 994, MedGen C1276035, MONDO:0100101, OMIM 208150, HP:0001989.
Congenital myasthenic syndrome 10. Also called: Myasthenia, limb-girdle, familial. Identifiers: Orphanet 590, MedGen C1850792, MONDO:0009690, OMIM 254300.

Allele frequency attached by ClinVar (database versions not stated): gnomAD 0.00002; TOPMed 0.00003; ESP Exome Variant Server 0.00008.
gnomAD v4.1: 62 of 1,564,088 alleles (0.004%); highest among the groups gnomAD compares: Non-Finnish European, 0.0049%; no homozygotes.

Submissions (3):

Mayo Clinic Laboratories, Mayo Clinic
Classification: Uncertain significance. Last evaluated: 2025-10-03. Review status: criteria provided, single submitter. Criteria: ACMG Guidelines, 2015. Collection method: clinical testing. Allele origin: germline. Observed: 1 variant allele.
Comment: PM2_supporting

Ambry Genetics
Classification: Uncertain significance for Inborn genetic diseases. Last evaluated: 2024-01-16. Review status: criteria provided, single submitter. Criteria: Ambry Variant Classification Scheme 2023. Collection method: clinical testing. Allele origin: germline.

Labcorp Genetics (formerly Invitae), Labcorp
Classification: Uncertain significance for Congenital myasthenic syndrome 10; Fetal akinesia deformation sequence 1. Last evaluated: 2022-07-25. Review status: criteria provided, single submitter. Criteria: Invitae Variant Classification Sherloc (09022015). Collection method: clinical testing. Allele origin: germline.
Comment: This sequence change replaces glutamic acid, which is acidic and polar, with glycine, which is neutral and non-polar, at codon 229 of the DOK7 protein (p.Glu229Gly). This variant is present in population databases (rs151334056, gnomAD 0.005%). This variant has not been reported in the literature in individuals affected with DOK7-related conditions. Algorithms developed to predict the effect of missense changes on protein structure and function are either unavailable or do not agree on the potential impact of this missense change (SIFT: "Deleterious"; PolyPhen-2: "Benign"; Align-GVGD: "Class C0"). In summary, the available evidence is currently insufficient to determine the role of this variant in disease. Therefore, it has been classified as a Variant of Uncertain Significance.